The following is an entry in ClinVar:

ClinVar aggregate classification (germline): Conflicting classifications of pathogenicity. Review status: criteria provided, conflicting classifications (1 of 4 stars). 4 submissions from 4 submitters: Uncertain significance (3); Benign (1). Last evaluated 2025-08-28.

Conditions:
Cardiovascular phenotype. Identifiers: MedGen CN230736.
Arrhythmogenic right ventricular dysplasia 11. Also called: Arrhythmogenic Right Ventricular Dysplasia/Cardiomyopathy11; ARRHYTHMOGENIC RIGHT VENTRICULAR DYSPLASIA, FAMILIAL, 11; Arrhythmogenic right ventricular dysplasia 11 with mild palmoplantar keratoderma and woolly hair. Identifiers: MedGen C1864850, MONDO:0012506, OMIM 610476.

Allele frequency attached by ClinVar (database versions not stated): ExAC 0.00003; TOPMed 0.00007; gnomAD 0.00009 and 0.00011; gnomAD exomes below 0.00001 and 0.00002; 1000 Genomes Project 30x 0.00062; 1000 Genomes Project 0.00060.
gnomAD v4.1: 19 of 1,614,070 alleles (0.0012%); highest among the groups gnomAD compares: African/African-American, 0.021%; no homozygotes.

Submissions (4):

Labcorp Genetics (formerly Invitae), Labcorp
Classification: Uncertain significance for Arrhythmogenic right ventricular dysplasia 11. Last evaluated: 2025-08-28. Review status: criteria provided, single submitter. Criteria: Invitae Variant Classification Sherloc (09022015). Collection method: clinical testing. Allele origin: germline.
Comment: This sequence change replaces glutamic acid, which is acidic and polar, with alanine, which is neutral and non-polar, at codon 601 of the DSC2 protein (p.Glu601Ala). This variant is present in population databases (rs537381028, gnomAD 0.03%). This variant has not been reported in the literature in individuals affected with DSC2-related conditions. ClinVar contains an entry for this variant (Variation ID: 959408). Invitae Evidence Modeling of protein sequence and biophysical properties (such as structural, functional, and spatial information, amino acid conservation, physicochemical variation, residue mobility, and thermodynamic stability) indicates that this missense variant is not expected to disrupt DSC2 protein function with a negative predictive value of 80%. In summary, the available evidence is currently insufficient to determine the role of this variant in disease. Therefore, it has been classified as a Variant of Uncertain Significance.

GeneDx
Classification: Uncertain significance. Last evaluated: 2025-06-30. Review status: criteria provided, single submitter. Criteria: GeneDx Variant Classification Process June 2021. Collection method: clinical testing. Allele origin: germline. Affected: yes.
Comment: In silico analysis suggests that this missense variant does not alter protein structure/function; Has not been previously published as pathogenic or benign to our knowledge

ARUP Laboratories, Molecular Genetics and Genomics, ARUP Laboratories
Classification: Uncertain significance. Last evaluated: 2025-06-25. Review status: criteria provided, single submitter. Criteria: ARUP Molecular Germline Variant Investigation Process 2024. Collection method: clinical testing. Allele origin: germline.
Comment: The DSC2 c.1802A>C; p.Glu601Ala variant (rs537381028), to our knowledge, is not reported in the medical literature but is reported in ClinVar (Variation ID: 959408). This variant is found in the African/African-American population with an allele frequency of 0.03% (7/24966 alleles) in the Genome Aggregation Database (v2.1.1). Computational analyses are uncertain whether this variant is neutral or deleterious (REVEL: 0.184). Due to limited information, the clinical significance of this variant is uncertain at this time.

Ambry Genetics
Classification: Benign for Cardiovascular phenotype. Last evaluated: 2025-03-19. Review status: criteria provided, single submitter. Criteria: Ambry Variant Classification Scheme 2023. Collection method: clinical testing. Allele origin: germline.

NM_024422.6(DSC2):c.1802A>C (p.Glu601Ala)

Gene: DSC2 (desmocollin 2; minus strand). Cytogenetic location: 18q12.1.
Variant type: single nucleotide variant.
Coding change: c.1802A>C on transcript NM_024422.6 (MANE Select); coding-DNA position 1802, A replaced by C.
Protein change: p.Glu601Ala; replaces glutamic acid 601 with alanine.
Molecular consequence: missense variant.
Genome position (GRCh38, 1-based): chr18:31,074,769, T>G on the plus strand (A>C on the coding strand, the complement: DSC2 is on the minus strand). VCF-style: chr18-31074769-T-G. GRCh37 (hg19) VCF-style: chr18-28654735-T-G.
Other names: c.1802A>C, p.Glu601Ala (NM_004949.5); short protein forms E601A.
Identifiers: ClinVar variation 959408 (VCV000959408.15), dbSNP rs537381028, ClinGen allele CA033290.